The following is an entry in ClinVar:

NM_177438.3(DICER1):c.1967G>A (p.Arg656Gln)

Gene: DICER1 (dicer 1, ribonuclease III; minus strand). Cytogenetic location: 14q32.13.
Variant type: single nucleotide variant.
Coding change: c.1967G>A on transcript NM_177438.3 (MANE Select); coding-DNA position 1967, G replaced by A.
Protein change: p.Arg656Gln; replaces arginine 656 with glutamine.
Molecular consequence: missense variant.
Genome position (GRCh38, 1-based): chr14:95,113,165, C>T on the plus strand (G>A on the coding strand, the complement: DICER1 is on the minus strand). VCF-style: chr14-95113165-C-T. GRCh37 (hg19) VCF-style: chr14-95579502-C-T.
Other names: c.1967G>A, p.Arg656Gln (NM_001195573.1, NM_001271282.3, NM_001291628.2 and 1 more transcripts); short protein forms R656Q.
Identifiers: ClinVar variation 477078 (VCV000477078.18), dbSNP rs766707302, ClinGen allele CA7331352.

ClinVar aggregate classification (germline): Uncertain significance. Review status: criteria provided, multiple submitters, no conflicts (2 of 4 stars). 3 submissions from 3 submitters: Uncertain significance (3). Last evaluated 2025-10-30.

Conditions:
Rhabdomyosarcoma, embryonal, 2 (RMSE2). Identifiers: MedGen C1867234, MONDO:0859046, OMIM 180295.
Global developmental delay - lung cysts - overgrowth - Wilms tumor syndrome. Also called: GLOW Syndrome; GLOBAL DEVELOPMENTAL DELAY, LUNG CYSTS, OVERGROWTH, AND WILMS TUMOR. Identifiers: Orphanet 404476, MedGen C4748924, MONDO:0018445, OMIM 618272.
Euthyroid goiter (MNG1). Also called: Goiter, multinodular 1, with or without Sertoli-Leydig cell tumors; GOITER, NONTOXIC, WITH INTRATHYROIDAL CALCIFICATION; MULTINODULAR GOITER, ADOLESCENT; SIMPLE GOITER. Identifiers: Orphanet 276399, MedGen C0302859, MONDO:0007681, OMIM 138800, HP:0009798.
Pleuropulmonary blastoma (PPB). Identifiers: Orphanet 64742, MedGen C1266144, MONDO:0011014, OMIM 601200, HP:0100528.
DICER1-related tumor predisposition. Also called: DICER1-related pleuropulmonary blastoma cancer predisposition syndrome; DICER1 syndrome. Identifiers: Orphanet 284343, MedGen C3839822, MONDO:0100216.
Hereditary cancer-predisposing syndrome. Also called: Tumor predisposition; Neoplastic Syndromes, Hereditary; Hereditary Cancer Syndrome; Hereditary neoplastic syndrome. Identifiers: Orphanet 140162, MedGen C0027672, MeSH D009386, MONDO:0015356.

Allele frequency attached by ClinVar (database versions not stated): gnomAD exomes 0.00001 and 0.00002; ExAC 0.00002; TOPMed 0.00002; gnomAD 0.00001.

Submissions (3):

Ambry Genetics
Classification: Uncertain significance for Hereditary cancer-predisposing syndrome. Last evaluated: 2025-10-30. Review status: criteria provided, single submitter. Criteria: Ambry Variant Classification Scheme 2023. Collection method: clinical testing. Allele origin: germline.
Comment: The p.R656Q variant (also known as c.1967G>A), located in coding exon 11 of the DICER1 gene, results from a G to A substitution at nucleotide position 1967. The arginine at codon 656 is replaced by glutamine, an amino acid with highly similar properties. This amino acid position is well conserved in available vertebrate species. In addition, this alteration is predicted to be tolerated by in silico analysis. Since supporting evidence is limited at this time, the clinical significance of this alteration remains unclear.

Labcorp Genetics (formerly Invitae), Labcorp
Classification: Uncertain significance for DICER1-related tumor predisposition. Last evaluated: 2025-10-13. Review status: criteria provided, single submitter. Criteria: Invitae Variant Classification Sherloc (09022015). Collection method: clinical testing. Allele origin: germline.
Comment: This sequence change replaces arginine, which is basic and polar, with glutamine, which is neutral and polar, at codon 656 of the DICER1 protein (p.Arg656Gln). This variant is present in population databases (rs766707302, gnomAD 0.006%). This variant has not been reported in the literature in individuals affected with DICER1-related conditions. ClinVar contains an entry for this variant (Variation ID: 477078). Invitae Evidence Modeling of protein sequence and biophysical properties (such as structural, functional, and spatial information, amino acid conservation, physicochemical variation, residue mobility, and thermodynamic stability) indicates that this missense variant is not expected to disrupt DICER1 protein function with a negative predictive value of 95%. In summary, the available evidence is currently insufficient to determine the role of this variant in disease. Therefore, it has been classified as a Variant of Uncertain Significance.

Fulgent Genetics
Classification: Uncertain significance for Euthyroid goiter; Rhabdomyosarcoma, embryonal, 2; Pleuropulmonary blastoma; Global developmental delay - lung cysts - overgrowth - Wilms tumor syndrome. Last evaluated: 2024-05-30. Review status: criteria provided, single submitter. Criteria: ACMG Guidelines, 2015. Collection method: clinical testing. Allele origin: germline.